The following is an entry in ClinVar:

ClinVar aggregate classification (germline): Uncertain significance (1 of 4 stars; one submission).

Conditions:
Melnick-Fraser syndrome (BOR). Also called: Branchio-oto-renal syndrome; Branchiootorenal Syndrome (BORS); Branchiootorenal syndrome. Identifiers: Orphanet 107, MedGen C0265234, MONDO:0007029.

Submission:

Labcorp Genetics (formerly Invitae), Labcorp
Classification: Uncertain significance for Melnick-Fraser syndrome. Last evaluated: 2025-07-28. Review status: criteria provided, single submitter. Criteria: Invitae Variant Classification Sherloc (09022015). Collection method: clinical testing. Allele origin: germline.
Comment: This sequence change replaces threonine, which is neutral and polar, with isoleucine, which is neutral and non-polar, at codon 274 of the EYA1 protein (p.Thr274Ile). This variant is not present in population databases (gnomAD no frequency). This variant has not been reported in the literature in individuals affected with EYA1-related conditions. Invitae Evidence Modeling of protein sequence and biophysical properties (such as structural, functional, and spatial information, amino acid conservation, physicochemical variation, residue mobility, and thermodynamic stability) has been performed for this missense variant. However, the output from this modeling did not meet the statistical confidence thresholds required to predict the impact of this variant on EYA1 protein function. In summary, the available evidence is currently insufficient to determine the role of this variant in disease. Therefore, it has been classified as a Variant of Uncertain Significance.

NM_000503.6(EYA1):c.821C>T (p.Thr274Ile)

Gene: EYA1 (EYA transcriptional coactivator and phosphatase 1; minus strand). Cytogenetic location: 8q13.3.
Variant type: single nucleotide variant.
Coding change: c.821C>T on transcript NM_000503.6 (MANE Select); coding-DNA position 821, C replaced by T.
Protein change: p.Thr274Ile; replaces threonine 274 with isoleucine.
Molecular consequence: missense variant.
Genome position (GRCh38, 1-based): chr8:71,299,052, G>A on the plus strand (C>T on the coding strand, the complement: EYA1 is on the minus strand). VCF-style: chr8-71299052-G-A. GRCh37 (hg19) VCF-style: chr8-72211287-G-A.
Other names: c.803C>T, p.Thr268Ile (NM_001288574.2); c.455C>T, p.Thr152Ile (NM_001288575.2); c.908C>T, p.Thr303Ile (NM_001370333.1); c.821C>T, p.Thr274Ile (NM_001370334.1, NM_001370335.1, NM_172058.4); c.890C>T, p.Thr297Ile (NM_001370336.1); c.722C>T, p.Thr241Ile (NM_001411797.1, NM_172060.4); c.893C>T, p.Thr298Ile (NM_172059.5); short protein forms T152I, T241I, T268I, T274I, T297I, T298I, T303I.
Identifiers: ClinVar variation 4806721 (VCV004806721.1).